The following is an entry in ClinVar:

NM_005670.4(EPM2A):c.75G>C (p.Ser25=)

Genes: EPM2A (EPM2A glucan phosphatase, laforin; minus strand), EPM2A-DT (EPM2A divergent transcript; plus strand), LOC129997381 (ATAC-STARR-seq lymphoblastoid silent region 17642; plus strand). Cytogenetic location: 6q24.3.
Variant type: single nucleotide variant.
Coding change: c.75G>C on transcript NM_005670.4 (MANE Select); coding-DNA position 75, G replaced by C.
Protein change: p.Ser25=; no amino-acid change (serine 25 retained).
Molecular consequence: synonymous variant. On other transcripts: 5 prime UTR variant (3), intron variant (1).
Genome position (GRCh38, 1-based): chr6:145,735,424, C>G on the plus strand (G>C on the coding strand, the complement: EPM2A is on the minus strand). VCF-style: chr6-145735424-C-G. GRCh37 (hg19) VCF-style: chr6-146056560-C-G.
Other names: c.75G>C, p.Ser25= (NM_001018041.2, NM_001360057.2, NM_001368130.1); c.-595G>C (NM_001360071.2); c.-549G>C (NM_001368129.2); c.-293G>C (NM_001368131.1); c.-114+484G>C (NM_001360064.2).
Identifiers: ClinVar variation 509594 (VCV000509594.1), dbSNP rs1386842136, ClinGen allele CA452726508.

ClinVar aggregate classification (germline): Likely benign (1 of 4 stars; one submission).

Allele frequency attached by ClinVar (database versions not stated): TOPMed 0.00002; gnomAD 0.00003 and 0.00004.
gnomAD v4.1: 9 of 1,255,838 alleles (0.00072%); highest among the groups gnomAD compares: Non-Finnish European, 0.00091%; no homozygotes.

Submission:

GeneDx
Classification: Likely benign. Last evaluated: 2017-05-16. Review status: criteria provided, single submitter. Criteria: GeneDx Variant Classification (06012015). Collection method: clinical testing. Allele origin: germline. Affected: yes.
Comment: This variant is considered likely benign or benign based on one or more of the following criteria: it is a conservative change, it occurs at a poorly conserved position in the protein, it is predicted to be benign by multiple in silico algorithms, and/or has population frequency not consistent with disease.